The following is an entry in ClinVar:

NM_024301.5(FKRP):c.313C>T (p.Gln105Ter)

Gene: FKRP (fukutin related protein; plus strand). Cytogenetic location: 19q13.32.
Variant type: single nucleotide variant.
Coding change: c.313C>T on transcript NM_024301.5 (MANE Select); coding-DNA position 313, C replaced by T.
Protein change: p.Gln105Ter; replaces glutamine 105 with a stop codon.
Molecular consequence: nonsense.
Genome position (GRCh38, 1-based): chr19:46,755,763, C>T. VCF-style: chr19-46755763-C-T. GRCh37 (hg19) VCF-style: chr19-47259020-C-T.
Other names: p.Gln105*; c.313C>T, p.Gln105Ter (NM_001039885.3); c.313C>T (NM_024301.4); short protein forms Q105*.
Identifiers: ClinVar variation 284644 (VCV000284644.19), dbSNP rs761821795, ClinGen allele CA9532140.

ClinVar aggregate classification (germline): Pathogenic/Likely pathogenic. Review status: criteria provided, multiple submitters, no conflicts (2 of 4 stars). 7 submissions from 7 submitters: Pathogenic (3); Likely pathogenic (4). Last evaluated 2025-11-03.

Conditions:
Walker-Warburg congenital muscular dystrophy. Also called: Muscular dystrophy-dystroglycanopathy, type A; Walker-Warburg syndrome. Identifiers: Orphanet 899, MedGen C0265221, MONDO:0000171.
Muscular dystrophy-dystroglycanopathy (congenital with brain and eye anomalies), type A5. Also called: MUSCULAR DYSTROPHY-DYSTROGLYCANOPATHY (CONGENITAL WITH BRAIN AND EYE ANOMALIES), TYPE A, 5; WALKER-WARBURG SYNDROME OR MUSCLE-EYE-BRAIN DISEASE, FKRP-RELATED. Identifiers: Orphanet 588, Orphanet 899, MedGen C3150413, MONDO:0013157, OMIM 613153.
Autosomal recessive limb-girdle muscular dystrophy type 2I. Also called: MUSCULAR DYSTROPHY, LIMB-GIRDLE, TYPE 2I; MUSCULAR DYSTROPHY-DYSTROGLYCANOPATHY (LIMB-GIRDLE), TYPE C, 5; MUSCULAR DYSTROPHY-DYSTROGLYCANOPATHY, LIMB-GIRDLE, FRKP-RELATED. Identifiers: Orphanet 34515, MedGen C1846672, MONDO:0011787, OMIM 607155.
FKRP-related disorder. Also called: FKRP-related condition.

Allele frequency attached by ClinVar (database versions not stated): gnomAD exomes below 0.00001 and 0.00001; TOPMed below 0.00001; ExAC 0.00006.

Submissions (7):

Labcorp Genetics (formerly Invitae), Labcorp
Classification: Pathogenic for Walker-Warburg congenital muscular dystrophy. Last evaluated: 2025-11-03. Review status: criteria provided, single submitter. Criteria: Invitae Variant Classification Sherloc (09022015). Collection method: clinical testing. Allele origin: germline.
Comment: This sequence change creates a premature translational stop signal (p.Gln105*) in the FKRP gene. While this is not anticipated to result in nonsense mediated decay, it is expected to disrupt the last 391 amino acid(s) of the FKRP protein. The frequency data for this variant in the population databases is considered unreliable, as metrics indicate poor data quality at this position in the gnomAD database. This variant has not been reported in the literature in individuals affected with FKRP-related conditions. ClinVar contains an entry for this variant (Variation ID: 284644). This variant disrupts a region of the FKRP protein in which other variant(s) (p.Gln460*) have been determined to be pathogenic (PMID: 16476814). This suggests that this is a clinically significant region of the protein, and that variants that disrupt it are likely to be disease-causing. For these reasons, this variant has been classified as Pathogenic.

PreventionGenetics, part of Exact Sciences
Classification: Likely pathogenic for FKRP-related condition. Last evaluated: 2025-08-10. Review status: criteria provided, single submitter. Criteria: ACMG Guidelines, 2015. Collection method: clinical testing. Allele origin: germline.
Comment: The FKRP c.313C>T variant is predicted to result in premature protein termination (p.Gln105*). To our knowledge, this variant has not been reported in the literature. This variant is reported in 0.0076% of alleles in individuals of Latino descent in gnomAD. Nonsense variants in FKRP are expected to be pathogenic. This variant is interpreted as likely pathogenic.

Mayo Clinic Laboratories, Mayo Clinic
Classification: Likely pathogenic. Last evaluated: 2025-01-13. Review status: criteria provided, single submitter. Criteria: ACMG Guidelines, 2015. Collection method: clinical testing. Allele origin: germline. Observed: 1 variant allele.
Comment: PM2_supporting, PVS1

Baylor Genetics
Classification: Pathogenic for Muscular dystrophy-dystroglycanopathy (congenital with brain and eye anomalies), type A5. Last evaluated: 2024-03-26. Review status: criteria provided, single submitter. Criteria: ACMG Guidelines, 2015. Collection method: clinical testing. Allele origin: unknown.

Natera, Inc.
Classification: Likely pathogenic for Limb-girdle muscular dystrophy type 2I. Last evaluated: 2024-03-22. Review status: criteria provided, single submitter. Criteria: Natera Variant Classification Schema (03/2026). Collection method: clinical testing. Allele origin: germline.
Comment: The c.313C>T variant in FKRP is a nonsense variant predicted to introduce a stop codon at amino acid 105. This variant is expected to result in nonsense mediated decay, truncation, or a dysfunctional protein product. This variant is rare in the general population with a frequency below the threshold expected for the associated phenotype(s). Given the available evidence, this variant is classified as Likely Pathogenic.

Revvity Omics, Revvity
Classification: Likely pathogenic. Last evaluated: 2021-07-01. Review status: criteria provided, single submitter. Criteria: ACMG Guidelines, 2015. Collection method: clinical testing. Allele origin: germline.

Eurofins Ntd Llc (ga)
Classification: Pathogenic. Last evaluated: 2017-03-21. Review status: criteria provided, single submitter. Criteria: EGL Classification Definitions 2015. Collection method: clinical testing. Allele origin: germline. Observed: 2 variant alleles, 2 heterozygotes.

Literature cited by the submitters: PubMed 16476814 (cited by Labcorp Genetics (formerly Invitae), Labcorp and Mayo Clinic Laboratories, Mayo Clinic); PubMed 12666124 (cited by Mayo Clinic Laboratories, Mayo Clinic); PubMed 30919934 (cited by Mayo Clinic Laboratories, Mayo Clinic).